The following is an entry in ClinVar:

NM_001378778.1(MPDZ):c.1201+13A>G

Gene: MPDZ (multiple PDZ domain crumbs cell polarity complex component; minus strand). Cytogenetic location: 9p23.
Variant type: single nucleotide variant.
Coding change: c.1201+13A>G on transcript NM_001378778.1 (MANE Select); 13 bases into the intron after coding-DNA position 1201, A replaced by G.
Molecular consequence: intron variant.
Genome position (GRCh38, 1-based): chr9:13,217,167, T>C on the plus strand (A>G on the coding strand, the complement: MPDZ is on the minus strand). VCF-style: chr9-13217167-T-C. GRCh37 (hg19) VCF-style: chr9-13217166-T-C.
Other names: c.1201+13A>G (NM_001375425.1, NM_001375420.1, NM_001375419.1 and 14 more transcripts).
Identifiers: ClinVar variation 5019244 (VCV005019244.2).
Genomic context (GRCh38, chr9:13,217,167, plus strand): 5'-CTCAATATTTTATAAGAGATAGATATCAGAGGTAATTGTCAAGTTTAAAAGAATACTTAA[T>C]GTTTAAAATTACCCAATTTTTTATCTCCAATGTAGCCAGCAATGGTAATTCCTAATCCTT-3'

ClinVar aggregate classification (germline): Uncertain significance (1 of 4 stars; one submission).

Conditions:
Hydrocephalus, nonsyndromic, autosomal recessive 2. Also called: Hydrocephalus, congenital, 2, with or without brain or eye anomalies. Identifiers: Orphanet 2185, MedGen C3554691, MONDO:0014085, OMIM 615219.

Submission:

Juno Genomics, Hangzhou Juno Genomics, Inc
Classification: Uncertain significance for Hydrocephalus, nonsyndromic, autosomal recessive 2. Review status: criteria provided, single submitter. Criteria: ACMG Guidelines, 2015. Collection method: clinical testing. Allele origin: germline.
Comment: Absent from controls (or at extremely low frequency if recessive) in Genome Aggregation Database.;Multiple lines of computational evidence support a deleterious effect on the gene or gene product.